The following is an entry in ClinVar:

ClinVar aggregate classification (germline): Uncertain significance. Review status: criteria provided, multiple submitters, no conflicts (2 of 4 stars). 2 submissions from 2 submitters: Uncertain significance (2). Last evaluated 2025-12-08.

Allele frequency attached by ClinVar (database versions not stated): TOPMed below 0.00001; gnomAD exomes 0.00002; ExAC 0.00003; gnomAD 0.00001.
gnomAD v4.1: 26 of 1,612,638 alleles (0.0016%); highest among the groups gnomAD compares: Non-Finnish European, 0.0022%; no homozygotes.

Submissions (2):

Ambry Genetics
Classification: Uncertain significance. Last evaluated: 2025-12-08. Review status: criteria provided, single submitter. Criteria: Ambry Variant Classification Scheme 2023. Collection method: clinical testing. Allele origin: germline.

Labcorp Genetics (formerly Invitae), Labcorp
Classification: Uncertain significance. Last evaluated: 2023-08-06. Review status: criteria provided, single submitter. Criteria: Invitae Variant Classification Sherloc (09022015). Collection method: clinical testing. Allele origin: germline.
Comment: In summary, the available evidence is currently insufficient to determine the role of this variant in disease. Therefore, it has been classified as a Variant of Uncertain Significance. Advanced modeling of protein sequence and biophysical properties (such as structural, functional, and spatial information, amino acid conservation, physicochemical variation, residue mobility, and thermodynamic stability) performed at Invitae indicates that this missense variant is not expected to disrupt CBX2 protein function. ClinVar contains an entry for this variant (Variation ID: 2078430). This variant has not been reported in the literature in individuals affected with CBX2-related conditions. This variant is present in population databases (rs782367198, gnomAD 0.006%). This sequence change replaces glutamine, which is neutral and polar, with histidine, which is basic and polar, at codon 349 of the CBX2 protein (p.Gln349His).

NM_005189.3(CBX2):c.1047G>C (p.Gln349His)

Gene: CBX2 (chromobox 2; plus strand). Cytogenetic location: 17q25.3.
Variant type: single nucleotide variant.
Coding change: c.1047G>C on transcript NM_005189.3 (MANE Select); coding-DNA position 1047, G replaced by C.
Protein change: p.Gln349His; replaces glutamine 349 with histidine.
Molecular consequence: missense variant.
Genome position (GRCh38, 1-based): chr17:79,784,490, G>C. VCF-style: chr17-79784490-G-C. GRCh37 (hg19) VCF-style: chr17-77758289-G-C.
Other names: short protein forms Q349H.
Identifiers: ClinVar variation 2078430 (VCV002078430.6), dbSNP rs782367198, ClinGen allele CA8811403.